The following is an entry in ClinVar:

ClinVar aggregate classification (germline): Uncertain significance (1 of 4 stars; one submission).

Conditions:
Rhabdoid tumor predisposition syndrome 2 (RTPS2). Identifiers: Orphanet 231108, Orphanet 69077, MedGen C2750074, MONDO:0013224, OMIM 613325.

Submission:

Labcorp Genetics (formerly Invitae), Labcorp
Classification: Uncertain significance for Rhabdoid tumor predisposition syndrome 2. Last evaluated: 2023-06-25. Review status: criteria provided, single submitter. Criteria: Invitae Variant Classification Sherloc (09022015). Collection method: clinical testing. Allele origin: germline.
Comment: This sequence change affects codon 1394 of the SMARCA4 mRNA. It is a 'silent' change, meaning that it does not change the encoded amino acid sequence of the SMARCA4 protein. This variant is not present in population databases (gnomAD no frequency). This variant has not been reported in the literature in individuals affected with SMARCA4-related conditions. Algorithms developed to predict the effect of sequence changes on RNA splicing suggest that this variant may disrupt the consensus splice site. In summary, the available evidence is currently insufficient to determine the role of this variant in disease. Therefore, it has been classified as a Variant of Uncertain Significance.

NM_001387283.1(SMARCA4):c.4182A>T (p.Gly1394=)

Gene: SMARCA4 (SWI/SNF related BAF chromatin remodeling complex subunit ATPase 4; plus strand). Cytogenetic location: 19p13.2.
Variant type: single nucleotide variant.
Coding change: c.4182A>T on transcript NM_001387283.1 (MANE Plus Clinical); coding-DNA position 4182, A replaced by T.
Protein change: p.Gly1394=; no amino-acid change (glycine 1394 retained).
Molecular consequence: synonymous variant. On other transcripts: intron variant (7).
Genome position (GRCh38, 1-based): chr19:11,039,469, A>T. VCF-style: chr19-11039469-A-T. GRCh37 (hg19) VCF-style: chr19-11150145-A-T.
Other names: c.4182A>T, p.Gly1394= (NM_001128849.3); c.4083A>T, p.Gly1361= (NM_001411150.1); c.4171-1838A>T (NM_001128844.3, NM_003072.5); c.4072-1838A>T (NM_001128847.4, NM_001374457.1, NM_001128848.2); c.4072-1829A>T (NM_001128845.2, NM_001128846.2).
Identifiers: ClinVar variation 2846988 (VCV002846988.3), dbSNP rs2515440984, ClinGen allele CA2739276450.